The following is an entry in ClinVar:

ClinVar aggregate classification (germline): Uncertain significance (1 of 4 stars; one submission).

Allele frequency attached by ClinVar (database versions not stated): gnomAD 0.00002; TOPMed 0.00002; gnomAD exomes 0.00004 and 0.00006; ExAC 0.00010.

Submission:

Labcorp Genetics (formerly Invitae), Labcorp
Classification: Uncertain significance. Last evaluated: 2022-01-15. Review status: criteria provided, single submitter. Criteria: Invitae Variant Classification Sherloc (09022015). Collection method: clinical testing. Allele origin: germline.
Comment: This sequence change replaces alanine, which is neutral and non-polar, with threonine, which is neutral and polar, at codon 10 of the ADAMTS18 protein (p.Ala10Thr). The frequency data for this variant in the population databases is considered unreliable, as metrics indicate poor data quality at this position in the gnomAD database. This variant has not been reported in the literature in individuals affected with ADAMTS18-related conditions. ClinVar contains an entry for this variant (Variation ID: 942547). Algorithms developed to predict the effect of missense changes on protein structure and function output the following: SIFT: "Not Available"; PolyPhen-2: "Possibly Damaging"; Align-GVGD: "Not Available". The threonine amino acid residue is found in multiple mammalian species, which suggests that this missense change does not adversely affect protein function. In summary, the available evidence is currently insufficient to determine the role of this variant in disease. Therefore, it has been classified as a Variant of Uncertain Significance.

NM_199355.4(ADAMTS18):c.28G>A (p.Ala10Thr)

Gene: ADAMTS18 (ADAM metallopeptidase with thrombospondin type 1 motif 18; minus strand). Cytogenetic location: 16q23.1.
Variant type: single nucleotide variant.
Coding change: c.28G>A on transcript NM_199355.4 (MANE Select); coding-DNA position 28, G replaced by A.
Protein change: p.Ala10Thr; replaces alanine 10 with threonine.
Molecular consequence: missense variant. On other transcripts: 5 prime UTR variant (1).
Genome position (GRCh38, 1-based): chr16:77,434,668, C>T on the plus strand (G>A on the coding strand, the complement: ADAMTS18 is on the minus strand). VCF-style: chr16-77434668-C-T. GRCh37 (hg19) VCF-style: chr16-77468565-C-T.
Other names: c.-493G>A (NM_001326358.2); short protein forms A10T.
Identifiers: ClinVar variation 942547 (VCV000942547.5), dbSNP rs750478751, ClinGen allele CA8181808.